The following is an entry in ClinVar:

ClinVar aggregate classification (germline): Uncertain significance (1 of 4 stars; one submission).

Allele frequency attached by ClinVar (database versions not stated): gnomAD exomes below 0.00001.
gnomAD v4.1: 2 of 1,614,234 alleles (0.00012%); highest among the groups gnomAD compares: Non-Finnish European, 0.00017%; no homozygotes.

Submission:

Labcorp Genetics (formerly Invitae), Labcorp
Classification: Uncertain significance. Last evaluated: 2025-03-31. Review status: criteria provided, single submitter. Criteria: Invitae Variant Classification Sherloc (09022015). Collection method: clinical testing. Allele origin: germline.
Comment: This sequence change replaces tyrosine, which is neutral and polar, with histidine, which is basic and polar, at codon 2642 of the FREM2 protein (p.Tyr2642His). This variant is not present in population databases (gnomAD no frequency). This variant has not been reported in the literature in individuals affected with FREM2-related conditions. ClinVar contains an entry for this variant (Variation ID: 2881586). Invitae Evidence Modeling of protein sequence and biophysical properties (such as structural, functional, and spatial information, amino acid conservation, physicochemical variation, residue mobility, and thermodynamic stability) indicates that this missense variant is not expected to disrupt FREM2 protein function with a negative predictive value of 80%. In summary, the available evidence is currently insufficient to determine the role of this variant in disease. Therefore, it has been classified as a Variant of Uncertain Significance.

NM_207361.6(FREM2):c.7924T>C (p.Tyr2642His)

Gene: FREM2 (FRAS1 related extracellular matrix 2; plus strand). Cytogenetic location: 13q13.3.
Variant type: single nucleotide variant.
Coding change: c.7924T>C on transcript NM_207361.6 (MANE Select); coding-DNA position 7924, T replaced by C.
Protein change: p.Tyr2642His; replaces tyrosine 2642 with histidine.
Molecular consequence: missense variant.
Genome position (GRCh38, 1-based): chr13:38,864,547, T>C. VCF-style: chr13-38864547-T-C. GRCh37 (hg19) VCF-style: chr13-39438684-T-C.
Other names: short protein forms Y2642H.
Identifiers: ClinVar variation 2881586 (VCV002881586.3), dbSNP rs199955206, ClinGen allele CA248302980.